The following is an entry in ClinVar:

ClinVar aggregate classification (germline): Likely benign. Review status: criteria provided, multiple submitters, no conflicts (2 of 4 stars). 3 submissions from 3 submitters: Likely benign (2). 1 of the submissions does not count toward it. Last evaluated 2024-11-24.

Conditions:
BCL11A-related disorder. Also called: BCL11A-related condition.

Allele frequency attached by ClinVar (database versions not stated): ESP Exome Variant Server 0.00024; TOPMed 0.00026; gnomAD exomes 0.00027; gnomAD 0.00032; ExAC 0.00054.
gnomAD v4.1: 444 of 1,605,844 alleles (0.028%); highest among the groups gnomAD compares: Non-Finnish European, 0.034%; 1 homozygote.

Submissions (3):

Blueprint Genetics
Classification: Likely benign. Last evaluated: 2024-11-24. Review status: criteria provided, single submitter. Criteria: ACMG Guidelines, 2015. Collection method: clinical testing. Allele origin: germline.

CeGaT Center for Human Genetics Tuebingen
Classification: Likely benign. Last evaluated: 2023-04-01. Review status: criteria provided, single submitter. Criteria: CeGaT Center For Human Genetics Tuebingen Variant Classification Criteria Version 2. Collection method: clinical testing. Allele origin: germline. Affected: yes. Observed: 1 variant allele.
Comment: BCL11A: BP4, BS2

PreventionGenetics, part of Exact Sciences
Classification: Likely benign for BCL11A-related condition. Last evaluated: 2019-03-11. Review status: no assertion criteria provided. Collection method: clinical testing. Allele origin: germline. Not counted in ClinVar's aggregate classification.
Comment: This variant is classified as likely benign based on ACMG/AMP sequence variant interpretation guidelines (Richards et al. 2015 PMID: 25741868, with internal and published modifications).

NM_022893.4(BCL11A):c.1545C>T (p.Phe515=)

Gene: BCL11A (BCL11 transcription factor A; minus strand). Cytogenetic location: 2p16.1.
Variant type: single nucleotide variant.
Coding change: c.1545C>T on transcript NM_022893.4 (MANE Select); coding-DNA position 1545, C replaced by T.
Protein change: p.Phe515=; no amino-acid change (phenylalanine 515 retained).
Molecular consequence: synonymous variant. On other transcripts: intron variant (6).
Genome position (GRCh38, 1-based): chr2:60,461,367, G>A on the plus strand (C>T on the coding strand, the complement: BCL11A is on the minus strand). VCF-style: chr2-60461367-G-A. GRCh37 (hg19) VCF-style: chr2-60688502-G-A.
Other names: c.1443C>T, p.Phe481= (NM_001363864.1, NM_001365609.1, NM_001405711.1 and 2 more transcripts); c.1545C>T, p.Phe515= (NM_001405708.1, NM_001405709.1, NM_001405710.1 and 1 more transcripts); c.1389C>T, p.Phe463= (NM_001405713.1, NM_001405714.1, NM_001405715.1 and 3 more transcripts); c.1287C>T, p.Phe429= (NM_001405717.1, NM_001405718.1, NM_001405724.1); c.1212C>T, p.Phe404= (NM_001405720.1, NM_001405721.1); c.1089C>T, p.Phe363= (NM_001405725.1, NM_001405726.1, NM_001405727.1 and 1 more transcripts); c.852C>T, p.Phe284= (NM_001405729.1); c.1008C>T, p.Phe336= (NM_001405730.1); and 5 more.
Identifiers: ClinVar variation 2650963 (VCV002650963.26), dbSNP rs147119753, ClinGen allele CA1671090.
Genomic context (GRCh38, chr2:60,461,367, plus strand): 5'-GCCCACGACCGCGCCCCGCGAGCTGTTCTCGTGGTGGCGCGCCGCCTCCAGGCTCAGCCC[G>A]AAGCCGTAGTCCACCCTCTCGCTCTCCGTCAGCTCCTCCTCCTCCTCTTCCTCCTCTTCT-3'
Protein context (NP_075044.2, residues 505-525): LTESERVDYG[Phe515=]GLSLEAARHH